The following is an entry in ClinVar:

ClinVar aggregate classification (germline): Benign (0 of 4 stars; one submission).

Conditions:
CAPN12-related disorder. Also called: CAPN12-related condition.

Allele frequency attached by ClinVar (database versions not stated): 1000 Genomes Project 30x 0.66599; TOPMed 0.66743; 1000 Genomes Project 0.67113; ESP Exome Variant Server 0.67723; gnomAD 0.68168; ExAC 0.72782; gnomAD exomes 0.74927.
gnomAD v4.1: 1,196,337 of 1,611,136 alleles (74%); highest among the groups gnomAD compares: South Asian, 85%; 447,358 homozygotes.

Submission:

PreventionGenetics, part of Exact Sciences
Classification: Benign for CAPN12-related condition. Last evaluated: 2023-09-11. Review status: no assertion criteria provided. Collection method: clinical testing. Allele origin: germline.
Comment: This variant is classified as benign based on ACMG/AMP sequence variant interpretation guidelines (Richards et al. 2015 PMID: 25741868, with internal and published modifications).

NM_144691.4(CAPN12):c.330T>C (p.Ala110=)

Gene: CAPN12 (calpain 12; minus strand). Cytogenetic location: 19q13.2.
Variant type: single nucleotide variant.
Coding change: c.330T>C on transcript NM_144691.4 (MANE Select); coding-DNA position 330, T replaced by C.
Protein change: p.Ala110=; no amino-acid change (alanine 110 retained).
Molecular consequence: synonymous variant.
Genome position (GRCh38, 1-based): chr19:38,742,506, A>G on the plus strand (T>C on the coding strand, the complement: CAPN12 is on the minus strand). VCF-style: chr19-38742506-A-G. GRCh37 (hg19) VCF-style: chr19-39233146-A-G.
Identifiers: ClinVar variation 3060668 (VCV003060668.2), dbSNP rs936524, ClinGen allele CA9419255.